The following is an entry in ClinVar:

ClinVar aggregate classification (germline): Likely benign (0 of 4 stars; one submission).

Conditions:
CNOT1-related disorder. Also called: CNOT1-related condition.

Allele frequency attached by ClinVar (database versions not stated): gnomAD 0.00001; gnomAD exomes 0.00001.
gnomAD v4.1: 15 of 1,498,560 alleles (0.001%); highest among the groups gnomAD compares: South Asian, 0.017%; no homozygotes.

Submission:

PreventionGenetics, part of Exact Sciences
Classification: Likely benign for CNOT1-related condition. Last evaluated: 2019-04-10. Review status: no assertion criteria provided. Collection method: clinical testing. Allele origin: germline.
Comment: This variant is classified as likely benign based on ACMG/AMP sequence variant interpretation guidelines (Richards et al. 2015 PMID: 25741868, with internal and published modifications).

NM_016284.5(CNOT1):c.4434+153T>C

Gene: CNOT1 (CCR4-NOT transcription complex subunit 1; minus strand). Cytogenetic location: 16q21.
Variant type: single nucleotide variant.
Coding change: c.4434+153T>C on transcript NM_016284.5 (MANE Select); 153 bases into the intron after coding-DNA position 4434, T replaced by C.
Molecular consequence: intron variant. On other transcripts: synonymous variant (1).
Genome position (GRCh38, 1-based): chr16:58,543,454, A>G on the plus strand (T>C on the coding strand, the complement: CNOT1 is on the minus strand). VCF-style: chr16-58543454-A-G. GRCh37 (hg19) VCF-style: chr16-58577358-A-G.
Other names: c.4587T>C, p.Asn1529= (NM_206999.3); c.4419+153T>C (NM_001265612.2).
Identifiers: ClinVar variation 3057803 (VCV003057803.2), dbSNP rs777709396, ClinGen allele CA8089147.
Genomic context (GRCh38, chr16:58,543,454, plus strand): 5'-GTGTTGAGAATATAACAGAAAAAAAAAAAAACACACAGACATGATGCTTTGCCTCACAGA[A>G]TTACAATCTAAAATGATGGAAGACATCAAACAAATATGGTGATTATTAAGAATAAGTGGT-3'